The following is an entry in ClinVar:

ClinVar aggregate classification (germline): Uncertain significance (1 of 4 stars; one submission).

Submission:

GeneDx
Classification: Uncertain significance. Last evaluated: 2024-04-02. Review status: criteria provided, single submitter. Criteria: GeneDx Variant Classification Process June 2021. Collection method: clinical testing. Allele origin: germline. Affected: yes.
Comment: Not observed at significant frequency in large population cohorts (gnomAD); In silico analysis supports that this missense variant does not alter protein structure/function; Has not been previously published as pathogenic or benign to our knowledge

NM_173495.3(PTCHD1):c.2293A>G (p.Ile765Val)

Gene: PTCHD1 (patched domain containing 1; plus strand). Cytogenetic location: Xp22.11.
Variant type: single nucleotide variant.
Coding change: c.2293A>G on transcript NM_173495.3 (MANE Select); coding-DNA position 2293, A replaced by G.
Protein change: p.Ile765Val; replaces isoleucine 765 with valine.
Molecular consequence: missense variant.
Genome position (GRCh38, 1-based): chrX:23,393,811, A>G. VCF-style: chrX-23393811-A-G. GRCh37 (hg19) VCF-style: chrX-23411928-A-G.
Other names: short protein forms I765V.
Identifiers: ClinVar variation 3371861 (VCV003371861.1).